The following is an entry in ClinVar:

NM_006361.6(HOXB13):c.829A>G (p.Lys277Glu)

Gene: HOXB13 (homeobox B13; minus strand). Cytogenetic location: 17q21.32.
Variant type: single nucleotide variant.
Coding change: c.829A>G on transcript NM_006361.6 (MANE Select); coding-DNA position 829, A replaced by G.
Protein change: p.Lys277Glu; replaces lysine 277 with glutamic acid.
Molecular consequence: missense variant.
Genome position (GRCh38, 1-based): chr17:48,726,816, T>C on the plus strand (A>G on the coding strand, the complement: HOXB13 is on the minus strand). VCF-style: chr17-48726816-T-C. GRCh37 (hg19) VCF-style: chr17-46804178-T-C.
Other names: short protein forms K277E.
Identifiers: ClinVar variation 2448423 (VCV002448423.2), dbSNP rs1597932430, ClinGen allele CA400105335.

ClinVar aggregate classification (germline): Uncertain significance (1 of 4 stars; one submission).

Conditions:
Hereditary cancer-predisposing syndrome. Also called: Neoplastic Syndromes, Hereditary; Hereditary Cancer Syndrome; Tumor predisposition; Hereditary neoplastic syndrome. Identifiers: Orphanet 140162, MedGen C0027672, MeSH D009386, MONDO:0015356.

Submission:

Ambry Genetics
Classification: Uncertain significance for Hereditary cancer-predisposing syndrome. Last evaluated: 2023-01-26. Review status: criteria provided, single submitter. Criteria: Ambry Variant Classification Scheme 2023. Collection method: clinical testing. Allele origin: germline.
Comment: The p.K277E variant (also known as c.829A>G), located in coding exon 2 of the HOXB13 gene, results from an A to G substitution at nucleotide position 829. The lysine at codon 277 is replaced by glutamic acid, an amino acid with similar properties. This amino acid position is conserved. In addition, this alteration is predicted to be deleterious by in silico analysis. Since supporting evidence is limited at this time, the clinical significance of this alteration remains unclear.